The following is an entry in ClinVar:

ClinVar aggregate classification (germline): Uncertain significance (1 of 4 stars; one submission).

Conditions:
Cardiovascular phenotype. Identifiers: MedGen CN230736.

Submission:

Ambry Genetics
Classification: Uncertain significance for Cardiovascular phenotype. Last evaluated: 2026-09-14. Review status: criteria provided, single submitter. Criteria: Ambry Variant Classification Scheme 2023. Collection method: clinical testing. Allele origin: germline.
Comment: The p.Y631C variant (also known as c.1892A>G), located in coding exon 14 of the TRPM4 gene, results from an A to G substitution at nucleotide position 1892. The tyrosine at codon 631 is replaced by cysteine, an amino acid with highly dissimilar properties. This amino acid position is conserved. In addition, the in silico prediction for this alteration is inconclusive. Based on the available evidence, the clinical significance of this variant remains unclear.

NM_017636.4(TRPM4):c.1892A>G (p.Tyr631Cys)

Gene: TRPM4 (transient receptor potential cation channel subfamily M member 4; plus strand). Cytogenetic location: 19q13.33.
Variant type: single nucleotide variant.
Coding change: c.1892A>G on transcript NM_017636.4 (MANE Select); coding-DNA position 1892, A replaced by G.
Protein change: p.Tyr631Cys; replaces tyrosine 631 with cysteine.
Molecular consequence: missense variant.
Genome position (GRCh38, 1-based): chr19:49,188,964, A>G. VCF-style: chr19-49188964-A-G. GRCh37 (hg19) VCF-style: chr19-49692221-A-G.
Other names: c.1892A>G, p.Tyr631Cys (NM_001195227.2); c.1547A>G, p.Tyr516Cys (NM_001321281.2); c.284A>G, p.Tyr95Cys (NM_001321282.2); c.1370A>G, p.Tyr457Cys (NM_001321283.2); c.830A>G, p.Tyr277Cys (NM_001321285.2); short protein forms Y516C, Y277C, Y631C, Y95C, Y457C.
Identifiers: ClinVar variation 5031160 (VCV005031160.1).